The following is an entry in ClinVar:

ClinVar aggregate classification (germline): Uncertain significance (1 of 4 stars; one submission).

gnomAD v4.1: 1 of 1,599,978 alleles (0.000063%); highest among the groups gnomAD compares: African/African-American, 0.0014%; no homozygotes.

Submission:

GeneDx
Classification: Uncertain significance. Last evaluated: 2024-07-11. Review status: criteria provided, single submitter. Criteria: GeneDx Variant Classification Process June 2021. Collection method: clinical testing. Allele origin: germline. Affected: yes.
Comment: In silico analysis supports that this missense variant has a deleterious effect on protein structure/function; Has not been previously published as pathogenic or benign to our knowledge

NM_024665.7(TBL1XR1):c.61T>C (p.Phe21Leu)

Gene: TBL1XR1 (TBL1X/Y related 1; minus strand). Cytogenetic location: 3q26.32.
Variant type: single nucleotide variant.
Coding change: c.61T>C on transcript NM_024665.7 (MANE Select); coding-DNA position 61, T replaced by C.
Protein change: p.Phe21Leu; replaces phenylalanine 21 with leucine.
Molecular consequence: missense variant. On other transcripts: 5 prime UTR variant (2).
Genome position (GRCh38, 1-based): chr3:177,053,916, A>G on the plus strand (T>C on the coding strand, the complement: TBL1XR1 is on the minus strand). VCF-style: chr3-177053916-A-G. GRCh37 (hg19) VCF-style: chr3-176771704-A-G.
Other names: c.61T>C, p.Phe21Leu (NM_001321193.3, NM_001321194.3, NM_001374327.1 and 2 more transcripts); c.-201T>C (NM_001321195.3, NM_001374330.1); short protein forms F21L.
Identifiers: ClinVar variation 3572432 (VCV003572432.1).